The following is an entry in ClinVar:

ClinVar aggregate classification (germline): Uncertain significance. Review status: criteria provided, multiple submitters, no conflicts (2 of 4 stars). 2 submissions from 2 submitters: Uncertain significance (2). Last evaluated 2022-04-12.

Conditions:
Propionic acidemia (PROP). Also called: GLYCINEMIA, KETOTIC; HYPERGLYCINEMIA WITH KETOACIDOSIS AND LEUKOPENIA; KETOTIC HYPERGLYCINEMIA. Identifiers: Orphanet 35, MedGen C0268579, MONDO:0011628, OMIM 606054, HP:0003571.

Allele frequency attached by ClinVar (database versions not stated): gnomAD exomes 0.00001; ExAC 0.00002; gnomAD 0.00004.
gnomAD v4.1: 19 of 1,613,998 alleles (0.0012%); highest among the groups gnomAD compares: Admixed American, 0.0083%; no homozygotes.

Submissions (2):

Labcorp Genetics (formerly Invitae), Labcorp
Classification: Uncertain significance for Propionic acidemia. Last evaluated: 2022-04-12. Review status: criteria provided, single submitter. Criteria: Invitae Variant Classification Sherloc (09022015). Collection method: clinical testing. Allele origin: germline.
Comment: This sequence change replaces arginine, which is basic and polar, with cysteine, which is neutral and slightly polar, at codon 289 of the PCCB protein (p.Arg289Cys). This variant is present in population databases (rs771935604, gnomAD 0.006%). This variant has not been reported in the literature in individuals affected with PCCB-related conditions. ClinVar contains an entry for this variant (Variation ID: 343471). Advanced modeling of protein sequence and biophysical properties (such as structural, functional, and spatial information, amino acid conservation, physicochemical variation, residue mobility, and thermodynamic stability) performed at Invitae indicates that this missense variant is not expected to disrupt PCCB protein function. In summary, the available evidence is currently insufficient to determine the role of this variant in disease. Therefore, it has been classified as a Variant of Uncertain Significance.

Illumina Laboratory Services, Illumina
Classification: Uncertain significance for Propionic acidemia. Last evaluated: 2018-01-12. Review status: criteria provided, single submitter. Criteria: ICSL Variant Classification Criteria 13 December 2019. Collection method: clinical testing. Allele origin: germline.

NM_000532.5(PCCB):c.865C>T (p.Arg289Cys)

Gene: PCCB (propionyl-CoA carboxylase subunit beta; plus strand). Cytogenetic location: 3q22.3.
Variant type: single nucleotide variant.
Coding change: c.865C>T on transcript NM_000532.5 (MANE Select); coding-DNA position 865, C replaced by T.
Protein change: p.Arg289Cys; replaces arginine 289 with cysteine.
Molecular consequence: missense variant.
Genome position (GRCh38, 1-based): chr3:136,298,053, C>T. VCF-style: chr3-136298053-C-T. GRCh37 (hg19) VCF-style: chr3-136016895-C-T.
Other names: c.925C>T, p.Arg309Cys (NM_001178014.2); short protein forms R289C, R309C.
Identifiers: ClinVar variation 343471 (VCV000343471.6), dbSNP rs771935604, ClinGen allele CA2631895.